The following is an entry in ClinVar:

ClinVar aggregate classification (germline): Uncertain significance (1 of 4 stars; one submission).

Conditions:
Acyl-CoA oxidase deficiency. Also called: STRAIGHT-CHAIN ACYL-CoA OXIDASE DEFICIENCY; Pseudoneonatal adrenoleukodystrophy; Peroxisomal acyl-CoA oxidase deficiency. Identifiers: Orphanet 2971, MedGen C1849678, MONDO:0009919, OMIM 264470. Disease mechanism: loss of function.

Allele frequency attached by ClinVar (database versions not stated): gnomAD 0.00004 and 0.00005; TOPMed 0.00006; ESP Exome Variant Server 0.00008.
gnomAD v4.1: 31 of 1,614,038 alleles (0.0019%); highest among the groups gnomAD compares: African/African-American, 0.0093%; no homozygotes.

Submission:

Baylor Genetics
Classification: Uncertain significance for Acyl-CoA oxidase deficiency. Last evaluated: 2019-03-08. Review status: criteria provided, single submitter. Criteria: ACMG Guidelines, 2015. Collection method: clinical testing. Allele origin: paternal. Affected: yes.
Comment: This variant was determined to be of uncertain significance according to ACMG Guidelines, 2015 [PMID:25741868].

NM_004035.7(ACOX1):c.269+4909G>A

Gene: ACOX1 (acyl-CoA oxidase 1; minus strand). Cytogenetic location: 17q25.1.
Variant type: single nucleotide variant.
Coding change: c.269+4909G>A on transcript NM_004035.7 (MANE Select); 4909 bases into the intron after coding-DNA position 269, G replaced by A.
Molecular consequence: intron variant. On other transcripts: missense variant (1).
Genome position (GRCh38, 1-based): chr17:75,973,625, C>T on the plus strand (G>A on the coding strand, the complement: ACOX1 is on the minus strand). VCF-style: chr17-75973625-C-T. GRCh37 (hg19) VCF-style: chr17-73969706-C-T.
Other names: c.430G>A, p.Gly144Arg (NM_007292.6); c.155+4909G>A (NM_001185039.2); short protein forms G144R.
Identifiers: ClinVar variation 1029152 (VCV001029152.1), dbSNP rs140541455, ClinGen allele CA8777074.